The following is an entry in ClinVar:

ClinVar aggregate classification (germline): Pathogenic/Likely pathogenic. Review status: criteria provided, multiple submitters, no conflicts (2 of 4 stars). 2 submissions from 2 submitters: Pathogenic (1); Likely pathogenic (1). Last evaluated 2023-05-17.

Conditions:
Mulibrey nanism syndrome. Also called: MUSCLE-LIVER-BRAIN-EYE NANISM; PERHEENTUPA SYNDROME; PERICARDIAL CONSTRICTION AND GROWTH FAILURE. Identifiers: Orphanet 2576, MedGen C0524582, MONDO:0009664, OMIM 253250.

Submissions (2):

Baylor Genetics
Classification: Likely pathogenic for Mulibrey nanism syndrome. Last evaluated: 2023-05-17. Review status: criteria provided, single submitter. Criteria: ACMG Guidelines, 2015. Collection method: clinical testing. Allele origin: unknown.

Labcorp Genetics (formerly Invitae), Labcorp
Classification: Pathogenic. Last evaluated: 2021-04-06. Review status: criteria provided, single submitter. Criteria: Invitae Variant Classification Sherloc (09022015). Collection method: clinical testing. Allele origin: germline.
Comment: For these reasons, this variant has been classified as Pathogenic. This variant has not been reported in the literature in individuals with TRIM37-related conditions. This variant is not present in population databases (ExAC no frequency). This sequence change creates a premature translational stop signal (p.Gln415*) in the TRIM37 gene. It is expected to result in an absent or disrupted protein product. Loss-of-function variants in TRIM37 are known to be pathogenic (PMID: 10888877, 15108285).

Literature cited by the submitters: PubMed 10888877 (cited by Labcorp Genetics (formerly Invitae), Labcorp); PubMed 15108285 (cited by Labcorp Genetics (formerly Invitae), Labcorp).

NM_015294.6(TRIM37):c.1243C>T (p.Gln415Ter)

Gene: TRIM37 (tripartite motif containing 37; minus strand). Cytogenetic location: 17q22.
Variant type: single nucleotide variant.
Coding change: c.1243C>T on transcript NM_015294.6 (MANE Select); coding-DNA position 1243, C replaced by T.
Protein change: p.Gln415Ter; replaces glutamine 415 with a stop codon.
Molecular consequence: nonsense. On other transcripts: non-coding transcript variant (2).
Genome position (GRCh38, 1-based): chr17:59,051,285, G>A on the plus strand (C>T on the coding strand, the complement: TRIM37 is on the minus strand). VCF-style: chr17-59051285-G-A. GRCh37 (hg19) VCF-style: chr17-57128646-G-A.
Other names: c.1243C>T, p.Gln415Ter (NM_001005207.5, NM_001320988.3, NM_001320989.3 and 1 more transcripts); c.1141C>T, p.Gln381Ter (NM_001320987.3, NM_001353082.2); c.877C>T, p.Gln293Ter (NM_001320990.3); c.508C>T, p.Gln170Ter (NM_001353083.2); c.781C>T, p.Gln261Ter (NM_001353085.2); c.1192C>T, p.Gln398Ter (NM_001353086.2); short protein forms Q170*, Q293*, Q415*, Q261*, Q381*, Q398*.
Identifiers: ClinVar variation 1451946 (VCV001451946.7), dbSNP rs757148418, ClinGen allele CA400401919.
Genomic context (GRCh38, chr17:59,051,285, plus strand): 5'-TGTTTATTTGTTGGATATAACTAGTCTGTGCAGCTTCCAACTGAGTAATGTACCAATGCT[G>A]GTCCCGGGATTTTTGAAAGAAAGTTGGTGAACGTACCTGAAACCTTAAAAGAATTGTGCC-3'